The following is an entry in ClinVar:

NM_000092.5(COL4A4):c.4913A>C (p.Gln1638Pro)

Gene: COL4A4 (collagen type IV alpha 4 chain; minus strand). Cytogenetic location: 2q36.3.
Variant type: single nucleotide variant.
Coding change: c.4913A>C on transcript NM_000092.5 (MANE Select); coding-DNA position 4913, A replaced by C.
Protein change: p.Gln1638Pro; replaces glutamine 1638 with proline.
Molecular consequence: missense variant.
Genome position (GRCh38, 1-based): chr2:227,007,485, T>G on the plus strand (A>C on the coding strand, the complement: COL4A4 is on the minus strand). VCF-style: chr2-227007485-T-G. GRCh37 (hg19) VCF-style: chr2-227872201-T-G.
Other names: short protein forms Q1638P.
Identifiers: ClinVar variation 4807190 (VCV004807190.1).
Genomic context (GRCh38, chr2:227,007,485, plus strand): 5'-TCTGCTTTCACCGTTGTGAGCCAGAAGCTATACTTATTTGCGAAAAAGTGGCAAGTTCCC[T>G]GCCGGCCCTGGCATTCAAGGAATGGTGCTGCTCTGAAATCTTCCAGGCAGCTGCCAGGTG-3'
Protein context (NP_000083.3, residues 1628-1648): AAPFLECQGR[Gln1638Pro]GTCHFFANKY

ClinVar aggregate classification (germline): Uncertain significance (1 of 4 stars; one submission).

Submission:

Labcorp Genetics (formerly Invitae), Labcorp
Classification: Uncertain significance. Last evaluated: 2026-01-18. Review status: criteria provided, single submitter. Criteria: Invitae Variant Classification Sherloc (09022015). Collection method: clinical testing. Allele origin: germline.
Comment: This sequence change replaces glutamine, which is neutral and polar, with proline, which is neutral and non-polar, at codon 1638 of the COL4A4 protein (p.Gln1638Pro). This variant is not present in population databases (gnomAD no frequency). This variant has not been reported in the literature in individuals affected with COL4A4-related conditions. Invitae Evidence Modeling of protein sequence and biophysical properties (such as structural, functional, and spatial information, amino acid conservation, physicochemical variation, residue mobility, and thermodynamic stability) indicates that this missense variant is not expected to disrupt COL4A4 protein function with a negative predictive value of 95%. In summary, the available evidence is currently insufficient to determine the role of this variant in disease. Therefore, it has been classified as a Variant of Uncertain Significance.